The following is an entry in ClinVar:

NM_001036.6(RYR3):c.12891A>T (p.Glu4297Asp)

Gene: RYR3 (ryanodine receptor 3; plus strand). Cytogenetic location: 15q14.
Variant type: single nucleotide variant.
Coding change: c.12891A>T on transcript NM_001036.6 (MANE Select); coding-DNA position 12891, A replaced by T.
Protein change: p.Glu4297Asp; replaces glutamic acid 4297 with aspartic acid.
Molecular consequence: missense variant.
Genome position (GRCh38, 1-based): chr15:33,838,871, A>T. VCF-style: chr15-33838871-A-T. GRCh37 (hg19) VCF-style: chr15-34131072-A-T.
Other names: c.12876A>T, p.Glu4292Asp (NM_001243996.4); short protein forms E4297D, E4292D.
Identifiers: ClinVar variation 461856 (VCV000461856.1), dbSNP rs760837521, ClinGen allele CA7461490.

ClinVar aggregate classification (germline): Uncertain significance (1 of 4 stars; one submission).

Conditions:
Epileptic encephalopathy. Identifiers: MedGen C0543888, HP:0200134.

Allele frequency attached by ClinVar (database versions not stated): gnomAD exomes below 0.00001.
gnomAD v4.1: 3 of 1,613,980 alleles (0.00019%); highest among the groups gnomAD compares: Non-Finnish European, 0.00025%; no homozygotes.

Submission:

Labcorp Genetics (formerly Invitae), Labcorp
Classification: Uncertain significance for Epileptic encephalopathy. Last evaluated: 2017-07-20. Review status: criteria provided, single submitter. Criteria: Invitae Variant Classification Sherloc (09022015). Collection method: clinical testing. Allele origin: germline.
Comment: This sequence change replaces glutamic acid with aspartic acid at codon 4297 of the RYR3 protein (p.Glu4297Asp). The glutamic acid residue is moderately conserved and there is a small physicochemical difference between glutamic acid and aspartic acid. This variant is present in population databases (rs760837521, ExAC 0.003%). This variant has not been reported in the literature in individuals with RYR3-related disease. Algorithms developed to predict the effect of missense changes on protein structure and function output the following: SIFT: "Tolerated"; PolyPhen-2: "Benign"; Align-GVGD: "Class C0". The aspartic acid amino acid residue is found in multiple mammalian species, suggesting that this missense change does not adversely affect protein function. These predictions have not been confirmed by published functional studies and their clinical significance is uncertain. In summary, the available evidence is currently insufficient to determine the role of this variant in disease. Therefore, it has been classified as a Variant of Uncertain Significance.